The following is an entry in ClinVar:

NM_153704.6(TMEM67):c.2325A>G (p.Ile775Met)

Gene: TMEM67 (transmembrane protein 67; plus strand). Cytogenetic location: 8q22.1.
Variant type: single nucleotide variant.
Coding change: c.2325A>G on transcript NM_153704.6 (MANE Select); coding-DNA position 2325, A replaced by G.
Protein change: p.Ile775Met; replaces isoleucine 775 with methionine.
Molecular consequence: missense variant. On other transcripts: non-coding transcript variant (1).
Genome position (GRCh38, 1-based): chr8:93,804,764, A>G. VCF-style: chr8-93804764-A-G. GRCh37 (hg19) VCF-style: chr8-94816992-A-G.
Other names: c.2082A>G, p.Ile694Met (NM_001142301.1); short protein forms I694M, I775M.
Identifiers: ClinVar variation 1481622 (VCV001481622.9), dbSNP rs777320782, ClinGen allele CA4808279.
Genomic context (GRCh38, chr8:93,804,764, plus strand): 5'-ATTTTTTATTGTTTTGCAGATGAGTTGCTATTTGCTTCTTTTTATTCTCTTTTTATAGAT[A>G]TCAGTGTTTCTGTTATCCCACAAATGTTTTGGATATTACATTCATGGTAGATCAGTACAT-3'
Protein context (NP_714915.3, residues 765-785): QFVDLCSMSN[Ile775Met]SVFLLSHKCF

ClinVar aggregate classification (germline): Uncertain significance. Review status: criteria provided, multiple submitters, no conflicts (2 of 4 stars). 2 submissions from 2 submitters: Uncertain significance (2). Last evaluated 2025-06-12.

Conditions:
COACH syndrome 1. Identifiers: Orphanet 1454, MedGen C5435651, MONDO:0800103, OMIM 216360, MONDO:0008996.
Nephronophthisis 11 (NPHP11). Identifiers: Orphanet 84081, MedGen C3150796, MONDO:0013302, OMIM 613550.
Bardet-Biedl syndrome 14 (BBS14). Identifiers: Orphanet 110, MedGen C2673874, MONDO:0014442, OMIM 615991.
Joubert syndrome 6 (JBTS6). Identifiers: Orphanet 475, MedGen C1853153, MONDO:0012539, OMIM 610688.
RHYNS syndrome. Also called: RETINITIS PIGMENTOSA SYNDROME; RETINITIS PIGMENTOSA, HYPOPITUITARISM, NEPHRONOPHTHISIS, AND MILD SKELETAL DYSPLASIA. Identifiers: Orphanet 140976, MedGen C1865794, MONDO:0011202, OMIM 602152.
Meckel syndrome, type 3 (MKS3). Also called: MECKEL-GRUBER SYNDROME, TYPE 3. Identifiers: Orphanet 564, MedGen C1846357, MONDO:0011821, OMIM 607361.
Meckel-Gruber syndrome. Also called: DYSENCEPHALIA SPLANCHNOCYSTICA; GRUBER SYNDROME; Dysencephalia splachnocystica. Identifiers: Orphanet 564, MedGen C0265215, MONDO:0018921.
Joubert syndrome. Also called: CEREBELLOPARENCHYMAL DISORDER IV; JOUBERT-BOLTSHAUSER SYNDROME; Familial aplasia of the vermis. Identifiers: Orphanet 475, MedGen C5979921, MONDO:0018772.

Allele frequency attached by ClinVar (database versions not stated): gnomAD exomes below 0.00001; ExAC 0.00001.
gnomAD v4.1: 1 of 1,549,286 alleles (0.000065%); highest among the groups gnomAD compares: Non-Finnish European, 0.000089%; no homozygotes.

Submissions (2):

Labcorp Genetics (formerly Invitae), Labcorp
Classification: Uncertain significance for Joubert syndrome; Meckel-Gruber syndrome. Last evaluated: 2025-06-12. Review status: criteria provided, single submitter. Criteria: Invitae Variant Classification Sherloc (09022015). Collection method: clinical testing. Allele origin: germline.
Comment: This sequence change replaces isoleucine, which is neutral and non-polar, with methionine, which is neutral and non-polar, at codon 775 of the TMEM67 protein (p.Ile775Met). The frequency data for this variant in the population databases is considered unreliable, as metrics indicate poor data quality at this position in the gnomAD database. This variant has not been reported in the literature in individuals affected with TMEM67-related conditions. ClinVar contains an entry for this variant (Variation ID: 1481622). An algorithm developed to predict the effect of missense changes on protein structure and function (PolyPhen-2) suggests that this variant is likely to be disruptive. In summary, the available evidence is currently insufficient to determine the role of this variant in disease. Therefore, it has been classified as a Variant of Uncertain Significance.

Fulgent Genetics
Classification: Uncertain significance for COACH syndrome 1; RHYNS syndrome; Meckel syndrome, type 3; Joubert syndrome 6; Nephronophthisis 11; Bardet-Biedl syndrome 14. Last evaluated: 2024-06-03. Review status: criteria provided, single submitter. Criteria: ACMG Guidelines, 2015. Collection method: clinical testing. Allele origin: germline.